The following is an entry in ClinVar:

ClinVar aggregate classification (germline): Uncertain significance. Review status: criteria provided, multiple submitters, no conflicts (2 of 4 stars). 2 submissions from 2 submitters: Uncertain significance (2). Last evaluated 2019-07-23.

Submissions (2):

Labcorp Genetics (formerly Invitae), Labcorp
Classification: Uncertain significance. Last evaluated: 2019-07-23. Review status: criteria provided, single submitter. Criteria: Invitae Variant Classification Sherloc (09022015). Collection method: clinical testing. Allele origin: germline.
Comment: This variant is not present in population databases (ExAC no frequency). This sequence change replaces glycine with serine at codon 57 of the TCF20 protein (p.Gly57Ser). The glycine residue is weakly conserved and there is a small physicochemical difference between glycine and serine. This variant has not been reported in the literature in individuals with TCF20-related conditions. In summary, the available evidence is currently insufficient to determine the role of this variant in disease. Therefore, it has been classified as a Variant of Uncertain Significance. Algorithms developed to predict the effect of missense changes on protein structure and function (SIFT, PolyPhen-2, Align-GVGD) all suggest that this variant is likely to be tolerated, but these predictions have not been confirmed by published functional studies and their clinical significance is uncertain.

GeneDx
Classification: Uncertain significance. Last evaluated: 2019-05-28. Review status: criteria provided, single submitter. Criteria: GeneDx Variant Classification Process June 2021. Collection method: clinical testing. Allele origin: germline. Affected: yes.
Comment: In silico analysis, which includes protein predictors and evolutionary conservation, supports that this variant does not alter protein structure/function; Not observed in large population cohorts (Lek et al., 2016); Has not been previously published as pathogenic or benign to our knowledge

NM_001378418.1(TCF20):c.169G>A (p.Gly57Ser)

Gene: TCF20 (transcription factor 20; minus strand). Cytogenetic location: 22q13.2.
Variant type: single nucleotide variant.
Coding change: c.169G>A on transcript NM_001378418.1 (MANE Select); coding-DNA position 169, G replaced by A.
Protein change: p.Gly57Ser; replaces glycine 57 with serine.
Molecular consequence: missense variant.
Genome position (GRCh38, 1-based): chr22:42,215,137, C>T on the plus strand (G>A on the coding strand, the complement: TCF20 is on the minus strand). VCF-style: chr22-42215137-C-T. GRCh37 (hg19) VCF-style: chr22-42611143-C-T.
Other names: c.169G>A, p.Gly57Ser (NM_005650.4, NM_181492.3); short protein forms G57S.
Identifiers: ClinVar variation 954332 (VCV000954332.12), dbSNP rs1921599592, ClinGen allele CA411793573.
Genomic context (GRCh38, chr22:42,215,137, plus strand): 5'-GATGGCCAGAGGTCTCGCTAGCCATCGCTGCCGCAGCAGCTGCTGCTCCTCGTCGTCCAC[C>T]ACCACTGCCACTGCCACTGCTGCCACTACTGCCACCTGTACCTCCAAAATTCTGGAACAT-3'
Protein context (NP_001365347.1, residues 47-67): SSGSSGSGSG[Gly57Ser]GRRGAAAAAA